The following is an entry in ClinVar:

ClinVar aggregate classification (germline): Likely pathogenic. Review status: criteria provided, multiple submitters, no conflicts (2 of 4 stars). 3 submissions from 3 submitters: Likely pathogenic (3). Last evaluated 2026-10-02.

Conditions:
Autosomal recessive limb-girdle muscular dystrophy type 2J (LGMDR10). Also called: Limb-girdle muscular dystrophy, type 2J; MUSCULAR DYSTROPHY, LIMB-GIRDLE, AUTOSOMAL RECESSIVE 10. Identifiers: Orphanet 140922, MedGen C1837342, MONDO:0012127, OMIM 608807.
Dilated cardiomyopathy 1G (CMD1G). Identifiers: Orphanet 154, MedGen C1858763, MONDO:0011400, OMIM 604145.

Submissions (3):

GeneDx
Classification: Likely pathogenic. Last evaluated: 2026-10-02. Review status: criteria provided, single submitter. Criteria: GeneDx Variant Classification Process June 2021. Collection method: clinical testing. Allele origin: germline.
Comment: Has not been previously published as pathogenic or benign to our knowledge; Not observed at significant frequency in large population cohorts (gnomAD); Frameshift variant predicted to result in protein truncation or nonsense mediated decay in a gene for which loss of function is a known mechanism of disease; This variant is associated with the following publications: (PMID: 22335739, 32778822, 24575448)

Labcorp Genetics (formerly Invitae), Labcorp
Classification: Likely pathogenic for Dilated cardiomyopathy 1G; Autosomal recessive limb-girdle muscular dystrophy type 2J. Last evaluated: 2022-05-10. Review status: criteria provided, single submitter. Criteria: Invitae Variant Classification Sherloc (09022015). Collection method: clinical testing. Allele origin: germline.
Comment: ClinVar contains an entry for this variant (Variation ID: 282859). This variant is located in the A band of TTN (PMID: 25589632). Truncating variants in this region are significantly overrepresented in patients affected with dilated cardiomyopathy (PMID: 25589632). Truncating variants in this region have also been reported in individuals affected with autosomal recessive centronuclear myopathy (PMID: 23975875). In summary, the currently available evidence indicates that the variant is pathogenic, but additional data are needed to prove that conclusively. Therefore, this variant has been classified as Likely Pathogenic. This variant has not been reported in the literature in individuals affected with TTN-related conditions. This variant is not present in population databases (gnomAD no frequency). This sequence change creates a premature translational stop signal (p.Glu30600Valfs*14) in the TTN gene. While this is not anticipated to result in nonsense mediated decay, it is expected to create a truncated TTN protein.

Eurofins Ntd Llc (ga)
Classification: Likely pathogenic. Last evaluated: 2015-08-21. Review status: criteria provided, single submitter. Criteria: EGL Classification Definitions 2015. Collection method: clinical testing. Allele origin: germline. Observed: 1 variant allele, 1 heterozygote.

Literature cited by the submitters: PubMed 25589632 (cited by Labcorp Genetics (formerly Invitae), Labcorp); PubMed 23975875 (cited by Labcorp Genetics (formerly Invitae), Labcorp).

NM_001267550.2(TTN):c.91798_91799insT (p.Glu30600fs)

Genes: TTN (titin; minus strand), TTN-AS1 (TTN antisense RNA 1; plus strand). Cytogenetic location: 2q31.2.
Variant type: Insertion.
Coding change: c.91798_91799insT on transcript NM_001267550.2 (MANE Select); coding-DNA positions 91798 to 91799, T inserted.
Protein change: p.Glu30600fs; shifts the reading frame from glutamic acid 30600.
Molecular consequence: frameshift variant.
Genome position: GRCh38 VCF-style: chr2-178550039-T-TA. GRCh37 (hg19) VCF-style: chr2-179414766-T-TA.
Other names: c.86875_86876insT, p.Glu28959fs (NM_001256850.1); c.64603_64604insT, p.Glu21535fs (NM_003319.4); c.84094_84095insT, p.Glu28032fs (NM_133378.4); c.64978_64979insT, p.Glu21660fs (NM_133432.3); c.65179_65180insT, p.Glu21727fs (NM_133437.4); c.91798_91799insT (NM_001267550.1); short protein forms E28032fs, E28959fs, E21535fs, E21660fs, E21727fs, E30600fs.
Identifiers: ClinVar variation 282859 (VCV000282859.13), dbSNP rs886042502, ClinGen allele CA10604323.